The following is an entry in ClinVar:

NM_015443.4(KANSL1):c.777_779del (p.Gly260del)

Gene: KANSL1 (KAT8 regulatory NSL complex subunit 1). Cytogenetic location: 17q21.31.
Variant type: Deletion.
Coding change: c.777_779del on transcript NM_015443.4 (MANE Select); coding-DNA positions 777 to 779, 3 bases deleted.
Protein change: p.Gly260del; deletes glycine 260.
Molecular consequence: inframe deletion. On other transcripts: intron variant (4).
Genome position: GRCh38 VCF-style: chr17-46171364-ACCC-A. GRCh37 (hg19) VCF-style: chr17-44248730-ACCC-A.
Other names: c.777_779del, p.Gly260del (NM_001193465.2, NM_001405857.1, NM_001405858.1 and 18 more transcripts); c.23+52304_23+52306del (NM_001405882.1, NM_001405885.1, NM_001405884.1 and 1 more transcripts); short protein forms G260del.
Identifiers: ClinVar variation 4292141 (VCV004292141.1).

ClinVar aggregate classification (germline): Uncertain significance (1 of 4 stars; one submission).

Conditions:
Koolen-de Vries syndrome (KDVS). Identifiers: Orphanet 96169, MedGen C1864871, MONDO:0012496, OMIM 610443.

Submission:

3billion
Classification: Uncertain significance for Koolen-de Vries syndrome. Last evaluated: 2024-08-12. Review status: criteria provided, single submitter. Criteria: ACMG Guidelines, 2015. Collection method: clinical testing. Allele origin: germline. Affected: yes.
Comment: The variant is not observed in the gnomAD v4.0.0 dataset. Predicted Consequence/Location: Inframe deletion located in a nonrepeat region: predicted to change the length of the protein and disrupt normal protein function. Therefore, this variant is classified as VUS according to the recommendation of ACMG/AMP guideline.